The following is an entry in ClinVar:

ClinVar aggregate classification (germline): Uncertain significance (0 of 4 stars; one submission).

Conditions:
CPE-related disorder. Also called: CPE-related condition.

Submission:

PreventionGenetics, part of Exact Sciences
Classification: Uncertain significance for CPE-related condition. Last evaluated: 2023-11-29. Review status: no assertion criteria provided. Collection method: clinical testing. Allele origin: germline.
Comment: The CPE c.1289C>T variant is predicted to result in the amino acid substitution p.Ala430Val. To our knowledge, this variant has not been reported in the literature. This variant is reported in 0.011% of alleles in individuals of African descent in gnomAD. At this time, the clinical significance of this variant is uncertain due to the absence of conclusive functional and genetic evidence.

NM_001873.4(CPE):c.1289C>T (p.Ala430Val)

Gene: CPE (carboxypeptidase E; plus strand). Cytogenetic location: 4q32.3.
Variant type: single nucleotide variant.
Coding change: c.1289C>T on transcript NM_001873.4 (MANE Select); coding-DNA position 1289, C replaced by T.
Protein change: p.Ala430Val; replaces alanine 430 with valine.
Molecular consequence: missense variant.
Genome position (GRCh38, 1-based): chr4:165,495,634, C>T. VCF-style: chr4-165495634-C-T. GRCh37 (hg19) VCF-style: chr4-166416786-C-T.
Other names: short protein forms A430V.
Identifiers: ClinVar variation 3356983 (VCV003356983.1).